The following is an entry in ClinVar:

NM_173076.3(ABCA12):c.873-2A>G

Gene: ABCA12 (ATP binding cassette subfamily A member 12; minus strand). Cytogenetic location: 2q35.
Variant type: single nucleotide variant.
Coding change: c.873-2A>G on transcript NM_173076.3 (MANE Select); the canonical splice acceptor site of the intron before coding-DNA position 873, A replaced by G.
Molecular consequence: splice acceptor variant.
Genome position (GRCh38, 1-based): chr2:215,037,067, T>C on the plus strand (A>G on the coding strand, the complement: ABCA12 is on the minus strand). VCF-style: chr2-215037067-T-C. GRCh37 (hg19) VCF-style: chr2-215901791-T-C.
Identifiers: ClinVar variation 3775914 (VCV003775914.1).

ClinVar aggregate classification (germline): Pathogenic (1 of 4 stars; one submission).

Conditions:
Autosomal recessive congenital ichthyosis 4B (ARCI4B). Also called: HARLEQUIN ICHTHYOSIS; Ichthyosis, congenital, autosomal recessive 4B (harlequin); Harlequin Fetus; ICHTHYOSIS CONGENITA, HARLEQUIN FETUS TYPE. Identifiers: Orphanet 457, MedGen C0598226, MONDO:0009443, OMIM 242500.

Submission:

3billion
Classification: Pathogenic for Autosomal recessive congenital ichthyosis 4B. Last evaluated: 2023-09-12. Review status: criteria provided, single submitter. Criteria: ACMG Guidelines, 2015. Collection method: clinical testing. Allele origin: germline. Affected: yes.
Comment: The variant is not observed in the gnomAD v2.1.1 dataset. Predicted Consequence/Location: Canonical splice site: predicted to alter splicing and result in a loss or disruption of normal protein function. Multiple pathogenic loss-of-function variants are reported downstream of the variant. Therefore, this variant is classified as Pathogenic according to the recommendation of ACMG/AMP guideline.